The following is an entry in ClinVar:

ClinVar aggregate classification (germline): Benign. Review status: criteria provided, single submitter (1 of 4 stars). 2 submissions from 2 submitters: Benign (1). 1 of the submissions does not count toward it. Last evaluated 2018-05-31.

Conditions:
CRISPLD2-related disorder. Also called: CRISPLD2-related condition.

Allele frequency attached by ClinVar (database versions not stated): gnomAD 0.00310 and 0.00324; ESP Exome Variant Server 0.00392; 1000 Genomes Project 0.00419; 1000 Genomes Project 30x 0.00437; gnomAD exomes 0.00028 and 0.00073; TOPMed 0.00344; ExAC 0.00095.
gnomAD v4.1: 891 of 1,614,058 alleles (0.055%); highest among the groups gnomAD compares: African/African-American, 1.1%; 5 homozygotes.

Submissions (5):

Labcorp Genetics (formerly Invitae), Labcorp
Classification: Benign. Last evaluated: 2018-05-31. Review status: criteria provided, single submitter. Criteria: Invitae Variant Classification Sherloc (09022015). Collection method: clinical testing. Allele origin: germline.

PreventionGenetics, part of Exact Sciences
Classification: Benign for CRISPLD2-related condition. Last evaluated: 2019-06-10. Review status: no assertion criteria provided. Collection method: clinical testing. Allele origin: germline. Not counted in ClinVar's aggregate classification.
Comment: This variant is classified as benign based on ACMG/AMP sequence variant interpretation guidelines (Richards et al. 2015 PMID: 25741868, with internal and published modifications).

Dr. Peter K. Rogan Lab, Western University
No classification provided (evidence only). Condition: Lung cancer. Review status: no classification provided. Collection method: in vitro. Allele origin: not applicable. Functional consequence: retained intron. Not counted in ClinVar's aggregate classification.

Dr. Peter K. Rogan Lab, Western University
No classification provided (evidence only). Condition: Hepatocellular carcinoma. Review status: no classification provided. Collection method: in vitro. Allele origin: not applicable. Functional consequence: retained intron. Not counted in ClinVar's aggregate classification.

Dr. Peter K. Rogan Lab, Western University
No classification provided (evidence only). Condition: Malignant tumor of esophagus. Review status: no classification provided. Collection method: in vitro. Allele origin: not applicable. Functional consequence: retained intron. Not counted in ClinVar's aggregate classification.

NM_031476.4(CRISPLD2):c.681C>T (p.Gly227=)

Gene: CRISPLD2 (cysteine rich secretory protein LCCL domain containing 2; plus strand). Cytogenetic location: 16q24.1.
Variant type: single nucleotide variant.
Coding change: c.681C>T on transcript NM_031476.4 (MANE Select); coding-DNA position 681, C replaced by T.
Protein change: p.Gly227=; no amino-acid change (glycine 227 retained).
Molecular consequence: synonymous variant.
Genome position (GRCh38, 1-based): chr16:84,854,801, C>T. VCF-style: chr16-84854801-C-T. GRCh37 (hg19) VCF-style: chr16-84888407-C-T.
Other names: NC_000016.9:g.84888407C>T.
Identifiers: ClinVar variation 720481 (VCV000720481.6), dbSNP rs111454381, ClinGen allele CA8211659.